The following is an entry in ClinVar:

NM_001367873.1(SOX6):c.1732+4769GT[29]

Gene: SOX6 (SRY-box transcription factor 6; minus strand). Cytogenetic location: 11p15.2.
Variant type: Microsatellite.
Coding change: c.1732+4769GT[29] on transcript NM_001367873.1 (MANE Select); 29 copies in a row of the 2-base unit GT starting at c.1732+4769; the reference has 24 copies in a row; five copies, 10 bases duplicated.
Molecular consequence: intron variant.
Genome position (GRCh38, 1-based): chr11:16,010,126-16,010,135, ACACACACAC duplicated on the plus strand (GTGTGTGTGT on the coding strand, the reverse complement: SOX6 is on the minus strand); duplicating any 10 consecutive bases within chr11:16,010,126-16,010,174 gives the same sequence; the position shown is the placement nearest the transcript's 3' end. VCF-style (leftmost placement, unchanged base first): chr11-16010125-T-TACACACACAC. GRCh37 (hg19) VCF-style: chr11-16031671-T-TACACACACAC.
Other names: c.1609+4769GT[29] (NM_001367872.1); c.1732+4769GT[29] (NM_033326.3, NM_001145819.2); c.1651+4769GT[29] (NM_001145811.2, NM_017508.3).
Identifiers: ClinVar variation 5039692 (VCV005039692.1).

ClinVar aggregate classification (germline): Likely benign (1 of 4 stars; one submission).

Submission:

CeGaT Center for Human Genetics Tuebingen
Classification: Likely benign. Last evaluated: 2026-08-01. Review status: criteria provided, single submitter. Criteria: CeGaT Center For Human Genetics Tuebingen Variant Classification Criteria Version 2. Collection method: clinical testing. Allele origin: germline. Affected: yes. Observed: 1 variant allele.
Comment: SOX6: BS1